The following is an entry in ClinVar:

ClinVar aggregate classification (germline): Uncertain significance. Review status: criteria provided, multiple submitters, no conflicts (2 of 4 stars). 2 submissions from 2 submitters: Uncertain significance (2). Last evaluated 2022-11-01.

gnomAD v4.1: 3 of 1,607,634 alleles (0.00019%); highest among the groups gnomAD compares: South Asian, 0.0022%; no homozygotes.

Submissions (2):

GeneDx
Classification: Uncertain significance. Last evaluated: 2022-11-01. Review status: criteria provided, single submitter. Criteria: GeneDx Variant Classification Process June 2021. Collection method: clinical testing. Allele origin: germline. Affected: yes.
Comment: In silico analysis supports that this missense variant does not alter protein structure/function; Has not been previously published as pathogenic or benign to our knowledge

Revvity Omics, Revvity
Classification: Uncertain significance. Last evaluated: 2021-06-28. Review status: criteria provided, single submitter. Criteria: ACMG Guidelines, 2015. Collection method: clinical testing. Allele origin: germline.

NM_003482.4(KMT2D):c.8876C>G (p.Thr2959Ser)

Gene: KMT2D (lysine methyltransferase 2D; minus strand). Cytogenetic location: 12q13.12.
Variant type: single nucleotide variant.
Coding change: c.8876C>G on transcript NM_003482.4 (MANE Select); coding-DNA position 8876, C replaced by G.
Protein change: p.Thr2959Ser; replaces threonine 2959 with serine.
Molecular consequence: missense variant.
Genome position (GRCh38, 1-based): chr12:49,038,480, G>C on the plus strand (C>G on the coding strand, the complement: KMT2D is on the minus strand). VCF-style: chr12-49038480-G-C. GRCh37 (hg19) VCF-style: chr12-49432263-G-C.
Other names: short protein forms T2959S.
Identifiers: ClinVar variation 2433237 (VCV002433237.4), dbSNP rs3741624, ClinGen allele CA384740632.